The following is an entry in ClinVar:

ClinVar aggregate classification (germline): Uncertain significance (1 of 4 stars; one submission).

Conditions:
Primary ciliary dyskinesia. Also called: Ciliary dyskinesia. Identifiers: Orphanet 244, MedGen C0008780, MONDO:0016575, HP:0012265.

Allele frequency attached by ClinVar (database versions not stated): gnomAD exomes below 0.00001.
gnomAD v4.1: 5 of 1,613,600 alleles (0.00031%); highest among the groups gnomAD compares: Non-Finnish European, 0.00042%; no homozygotes.

Submission:

Ambry Genetics
Classification: Uncertain significance for Primary ciliary dyskinesia. Last evaluated: 2022-10-17. Review status: criteria provided, single submitter. Criteria: Ambry Variant Classification Scheme 2023. Collection method: clinical testing. Allele origin: germline.
Comment: The p.V1353M variant (also known as c.4057G>A), located in coding exon 22 of the DNAH11 gene, results from a G to A substitution at nucleotide position 4057. The valine at codon 1353 is replaced by methionine, an amino acid with highly similar properties. This amino acid position is conserved. In addition, this alteration is predicted to be tolerated by in silico analysis. Since supporting evidence is limited at this time, the clinical significance of this alteration remains unclear.

NM_001277115.2(DNAH11):c.4057G>A (p.Val1353Met)

Gene: DNAH11 (dynein axonemal heavy chain 11; plus strand). Cytogenetic location: 7p15.3.
Variant type: single nucleotide variant.
Coding change: c.4057G>A on transcript NM_001277115.2 (MANE Select); coding-DNA position 4057, G replaced by A.
Protein change: p.Val1353Met; replaces valine 1353 with methionine.
Molecular consequence: missense variant.
Genome position (GRCh38, 1-based): chr7:21,616,254, G>A. VCF-style: chr7-21616254-G-A. GRCh37 (hg19) VCF-style: chr7-21655872-G-A.
Other names: c.4057G>A, p.Val1353Met (NM_003777.3); short protein forms V1353M.
Identifiers: ClinVar variation 1737422 (VCV001737422.2), dbSNP rs2534693811, ClinGen allele CA366951474.